The following is an entry in ClinVar:

NM_001014.5(RPS10):c.401-2A>G

Genes: RPS10 (ribosomal protein S10; minus strand), RPS10-NUDT3 (RPS10-NUDT3 readthrough; minus strand). Cytogenetic location: 6p21.31.
Variant type: single nucleotide variant.
Coding change: c.401-2A>G on transcript NM_001014.5 (MANE Select); the canonical splice acceptor site of the intron before coding-DNA position 401, A replaced by G.
Molecular consequence: splice acceptor variant.
Genome position (GRCh38, 1-based): chr6:34,418,426, T>C on the plus strand (A>G on the coding strand, the complement: RPS10 is on the minus strand). VCF-style: chr6-34418426-T-C. GRCh37 (hg19) VCF-style: chr6-34386203-T-C.
Other names: c.401-2A>G (NM_001202470.3, NM_001204091.2, NM_001203245.3).
Identifiers: ClinVar variation 834960 (VCV000834960.8), dbSNP rs1765648528, ClinGen allele CA363886120.

ClinVar aggregate classification (germline): Likely pathogenic (1 of 4 stars; one submission).

Conditions:
Diamond-Blackfan anemia. Also called: Blackfan Diamond syndrome; Aregenerative anemia chronic congenital; Red cell aplasia, pure hereditary; Congenital hypoplastic anemia; Aase syndrome. Identifiers: Orphanet 124, MedGen C1260899, MeSH D029503, MONDO:0015253, HP:0004810.

Submission:

Labcorp Genetics (formerly Invitae), Labcorp
Classification: Likely pathogenic for Diamond-Blackfan anemia. Last evaluated: 2019-05-20. Review status: criteria provided, single submitter. Criteria: Invitae Variant Classification Sherloc (09022015). Collection method: clinical testing. Allele origin: germline.
Comment: This sequence change affects an acceptor splice site in intron 4 of the RPS10 gene. It is expected to disrupt RNA splicing and likely results in an absent or disrupted protein product. This variant is not present in population databases (ExAC no frequency). This variant has not been reported in the literature in individuals with RPS10-related conditions. Donor and acceptor splice site variants typically lead to a loss of protein function (PMID: 16199547), and loss-of-function variants in RPS10 are known to be pathogenic (PMID: 20116044, 23718193). In summary, the currently available evidence indicates that the variant is pathogenic, but additional data are needed to prove that conclusively. Therefore, this variant has been classified as Likely Pathogenic.

Literature cited by the submitters: PubMed 16199547; PubMed 20116044; PubMed 23718193.